The following is an entry in ClinVar:

ClinVar aggregate classification (germline): Uncertain significance (1 of 4 stars; one submission).

Conditions:
Early-infantile DEE. Also called: Ohtahara syndrome; Early infantile epileptic encephalopathy with suppression bursts; Early infantile epileptic encephalopathy. Identifiers: Orphanet 1934, MedGen C0393706, MONDO:0800491.

Submission:

Labcorp Genetics (formerly Invitae), Labcorp
Classification: Uncertain significance for Early-infantile DEE. Last evaluated: 2022-06-13. Review status: criteria provided, single submitter. Criteria: Invitae Variant Classification Sherloc (09022015). Collection method: clinical testing. Allele origin: germline.
Comment: This sequence change replaces methionine, which is neutral and non-polar, with leucine, which is neutral and non-polar, at codon 1536 of the SCN8A protein (p.Met1536Leu). This variant is not present in population databases (gnomAD no frequency). This variant has not been reported in the literature in individuals affected with SCN8A-related conditions. Algorithms developed to predict the effect of missense changes on protein structure and function are either unavailable or do not agree on the potential impact of this missense change (SIFT: "Deleterious"; PolyPhen-2: "Benign"; Align-GVGD: "Class C0"). In summary, the available evidence is currently insufficient to determine the role of this variant in disease. Therefore, it has been classified as a Variant of Uncertain Significance.

NM_001330260.2(SCN8A):c.4606A>C (p.Met1536Leu)

Gene: SCN8A (sodium voltage-gated channel alpha subunit 8; plus strand). Cytogenetic location: 12q13.13.
Variant type: single nucleotide variant.
Coding change: c.4606A>C on transcript NM_001330260.2 (MANE Select); coding-DNA position 4606, A replaced by C.
Protein change: p.Met1536Leu; replaces methionine 1536 with leucine.
Molecular consequence: missense variant.
Genome position (GRCh38, 1-based): chr12:51,794,452, A>C. VCF-style: chr12-51794452-A-C. GRCh37 (hg19) VCF-style: chr12-52188236-A-C.
Other names: c.4483A>C, p.Met1495Leu (NM_001177984.3, NM_001369788.1); c.4606A>C, p.Met1536Leu (NM_014191.4); short protein forms M1536L, M1495L.
Identifiers: ClinVar variation 1467308 (VCV001467308.9), dbSNP rs1938352194, ClinGen allele CA384878829.